The following is an entry in ClinVar:

ClinVar aggregate classification (germline): Pathogenic (1 of 4 stars; one submission).

Conditions:
Cardiovascular phenotype. Identifiers: MedGen CN230736.

Submission:

Ambry Genetics
Classification: Pathogenic for Cardiovascular phenotype. Last evaluated: 2024-04-19. Review status: criteria provided, single submitter. Criteria: Ambry Variant Classification Scheme 2023. Collection method: clinical testing. Allele origin: germline.
Comment: The c.361-2A>G intronic pathogenic mutation results from an A to G substitution two nucleotides upstream from coding exon 4 in the ENG gene. This alteration has been reported in individuals with hereditary hemorrhagic telangiectasia (HHT) (Shovlin CL et al. Am. J. Hum. Genet., 1997 Jul;61:68-79; Cymerman U et al. Hum Mutat, 2003 May;21:482-92; Brusgaard K et al. Clin Genet, 2004 Dec;66:556-61; Lux A et al. Orphanet J Rare Dis, 2013 Jun;8:94; T&oslash;rring PM et al. PLoS One, 2014 Mar;9:e90272). This variant is considered to be rare based on population cohorts in the Genome Aggregation Database (gnomAD). This nucleotide position is highly conserved in available vertebrate species. In silico splice site analysis predicts that this alteration will weaken the native splice acceptor site and will result in the creation or strengthening of a novel splice acceptor site. In addition to the clinical data presented in the literature, alterations that disrupt the canonical splice site are expected to cause aberrant splicing, resulting in an abnormal protein or a transcript that is subject to nonsense-mediated mRNA decay. As such, this alteration is classified as a disease-causing mutation.

Literature cited by the submitters: PubMed 12673790; PubMed 15521985; PubMed 23805858; PubMed 24603890; PubMed 9245986.

NM_001114753.3(ENG):c.361-2A>G

Gene: ENG (endoglin; minus strand). Cytogenetic location: 9q34.11.
Variant type: single nucleotide variant.
Coding change: c.361-2A>G on transcript NM_001114753.3 (MANE Select); the canonical splice acceptor site of the intron before coding-DNA position 361, A replaced by G.
Molecular consequence: splice acceptor variant.
Genome position (GRCh38, 1-based): chr9:127,826,674, T>C on the plus strand (A>G on the coding strand, the complement: ENG is on the minus strand). VCF-style: chr9-127826674-T-C. GRCh37 (hg19) VCF-style: chr9-130588953-T-C.
Other names: c.361-2A>G (NM_000118.4, NM_001406715.1); c.-186-2A>G (NM_001278138.2).
Identifiers: ClinVar variation 1733241 (VCV001733241.3), dbSNP rs2539078164, ClinGen allele CA374984496.